The following is an entry in ClinVar:

NM_014989.7(RIMS1):c.648G>A (p.Ser216=)

Gene: RIMS1 (regulating synaptic membrane exocytosis 1; plus strand). Cytogenetic location: 6q13.
Variant type: single nucleotide variant.
Coding change: c.648G>A on transcript NM_014989.7 (MANE Select); coding-DNA position 648, G replaced by A.
Protein change: p.Ser216=; no amino-acid change (serine 216 retained).
Molecular consequence: synonymous variant.
Genome position (GRCh38, 1-based): chr6:72,179,751, G>A. VCF-style: chr6-72179751-G-A. GRCh37 (hg19) VCF-style: chr6-72889454-G-A.
Identifiers: ClinVar variation 260499 (VCV000260499.16), dbSNP rs116303981, ClinGen allele CA3885562.

ClinVar aggregate classification (germline): Benign. Review status: criteria provided, multiple submitters, no conflicts (2 of 4 stars). 3 submissions from 3 submitters: Benign (3). Last evaluated 2026-01-21.

Conditions:
Cone-rod dystrophy 7 (CORD7). Identifiers: Orphanet 1872, MedGen C1863634, MONDO:0011355, OMIM 603649.

Allele frequency attached by ClinVar (database versions not stated): gnomAD 0.00771 and 0.00829; ESP Exome Variant Server 0.00827; ExAC 0.00234; 1000 Genomes Project 0.00819; TOPMed 0.00903; 1000 Genomes Project 30x 0.00937.
gnomAD v4.1: 2,299 of 1,613,804 alleles (0.14%); highest among the groups gnomAD compares: African/African-American, 2.5%; 25 homozygotes.

Submissions (3):

Labcorp Genetics (formerly Invitae), Labcorp
Classification: Benign. Last evaluated: 2026-01-21. Review status: criteria provided, single submitter. Criteria: Invitae Variant Classification Sherloc (09022015). Collection method: clinical testing. Allele origin: germline.

Illumina Laboratory Services, Illumina
Classification: Benign for Cone-rod dystrophy 7. Last evaluated: 2018-01-13. Review status: criteria provided, single submitter. Criteria: ICSL Variant Classification Criteria 13 December 2019. Collection method: clinical testing. Allele origin: germline.
Comment: This variant was observed in the ICSL laboratory as part of a predisposition screen in an ostensibly healthy population. It had not been previously curated by ICSL or reported in the Human Gene Mutation Database (HGMD: prior to June 1st, 2018), and was therefore a candidate for classification through an automated scoring system. Utilizing variant allele frequency, disease prevalence and penetrance estimates, and inheritance mode, an automated score was calculated to assess if this variant is too frequent to cause the disease. Based on the score and internal cut-off values, a variant classified as benign is not then subjected to further curation. The score for this variant resulted in a classification of benign for this disease.

PreventionGenetics, part of Exact Sciences
Classification: Benign. Review status: criteria provided, single submitter. Criteria: ACMG Guidelines, 2015. Collection method: clinical testing. Allele origin: germline.